The following is an entry in ClinVar:

NM_001079866.2(BCS1L):c.296C>T (p.Pro99Leu)

Gene: BCS1L (BCS1 ubiquinol-cytochrome c reductase complex chaperone; plus strand). Cytogenetic location: 2q35.
Variant type: single nucleotide variant.
Coding change: c.296C>T on transcript NM_001079866.2 (MANE Select); coding-DNA position 296, C replaced by T.
Protein change: p.Pro99Leu; replaces proline 99 with leucine.
Molecular consequence: missense variant. On other transcripts: 5 prime UTR variant (5), non-coding transcript variant (1), intron variant (3).
Genome position (GRCh38, 1-based): chr2:218,661,283, C>T. VCF-style: chr2-218661283-C-T. GRCh37 (hg19) VCF-style: chr2-219526006-C-T.
Other names: c.296C>T, p.Pro99Leu (NM_001257342.2, NM_001257343.2, NM_001257344.2 and 10 more transcripts); c.-181C>T (NM_001371453.1, NM_001371454.1, NM_001371455.1 and 2 more transcripts); c.-40-123C>T (NM_001371451.1, NM_001318836.2); c.-41-476C>T (NM_001371452.1); short protein forms P99L.
Identifiers: ClinVar variation 6164 (VCV000006164.27), dbSNP rs121908572, ClinGen allele CA117989.

ClinVar aggregate classification (germline): Pathogenic. Review status: criteria provided, multiple submitters, no conflicts (2 of 4 stars). 5 submissions from 5 submitters: Pathogenic (3). 2 of the submissions do not count toward it. Last evaluated 2024-11-01.

Conditions:
GRACILE syndrome (FLNMS). Also called: FELLMAN SYNDROME; FINNISH LETHAL NEONATAL METABOLIC SYNDROME. Identifiers: Orphanet 53693, MedGen C1864002, MONDO:0011308, OMIM 603358.
Pili torti-deafness syndrome (BJS). Also called: PILI TORTI AND NERVE DEAFNESS; Bjornstad syndrome. Identifiers: Orphanet 123, MedGen C0266006, MONDO:0009872, OMIM 262000.
Mitochondrial complex III deficiency nuclear type 1. Identifiers: Orphanet 254902, MedGen C3541471, MONDO:0007415, OMIM 124000.

gnomAD v4.1: 1 of 1,614,170 alleles (0.000062%); no homozygotes.

Submissions (5):

CeGaT Center for Human Genetics Tuebingen
Classification: Pathogenic. Last evaluated: 2024-11-01. Review status: criteria provided, single submitter. Criteria: CeGaT Center For Human Genetics Tuebingen Variant Classification Criteria Version 2. Collection method: clinical testing. Allele origin: germline. Affected: yes. Observed: 1 variant allele.
Comment: BCS1L: PM1, PM2, PM3, PP4:Moderate, PP3, PS3:Supporting

Baylor Genetics
Classification: Pathogenic for Pili torti-deafness syndrome. Last evaluated: 2023-02-03. Review status: criteria provided, single submitter. Criteria: ACMG Guidelines, 2015. Collection method: clinical testing. Allele origin: unknown.

Labcorp Genetics (formerly Invitae), Labcorp
Classification: Pathogenic. Last evaluated: 2022-01-18. Review status: criteria provided, single submitter. Criteria: Invitae Variant Classification Sherloc (09022015). Collection method: clinical testing. Allele origin: germline.
Comment: Advanced modeling of protein sequence and biophysical properties (such as structural, functional, and spatial information, amino acid conservation, physicochemical variation, residue mobility, and thermodynamic stability) performed at Invitae indicates that this missense variant is expected to disrupt BCS1L protein function. This sequence change replaces proline, which is neutral and non-polar, with leucine, which is neutral and non-polar, at codon 99 of the BCS1L protein (p.Pro99Leu). This variant is not present in population databases (gnomAD no frequency). This missense change has been observed in individuals with complex III deficiency or GRACILE syndrome (PMID: 11528392, 20518024, 24655110, 29090881). ClinVar contains an entry for this variant (Variation ID: 6164). Experimental studies have shown that this missense change affects BCS1L function (PMID: 11528392, 17314340). For these reasons, this variant has been classified as Pathogenic.

Counsyl
Classification: Likely pathogenic for GRACILE syndrome. Last evaluated: 2017-02-03. Review status: no assertion criteria provided. Collection method: clinical testing. Allele origin: unknown. Not counted in ClinVar's aggregate classification.

OMIM
Classification: Pathogenic for MITOCHONDRIAL COMPLEX III DEFICIENCY, NUCLEAR TYPE 1. Last evaluated: 2001-09-01. Review status: no assertion criteria provided. Collection method: literature only. Allele origin: germline. Not counted in ClinVar's aggregate classification.

Literature cited by the submitters: PubMed 11528392 (cited by 3 submitters); PubMed 20518024 (cited by Labcorp Genetics (formerly Invitae), Labcorp); PubMed 24655110 (cited by Labcorp Genetics (formerly Invitae), Labcorp and Counsyl); PubMed 29090881 (cited by Labcorp Genetics (formerly Invitae), Labcorp); PubMed 17314340 (cited by Labcorp Genetics (formerly Invitae), Labcorp and Counsyl); PubMed 23892085 (cited by Counsyl).